The following is an entry in ClinVar:

ClinVar aggregate classification (germline): Uncertain significance (1 of 4 stars; one submission).

Allele frequency attached by ClinVar (database versions not stated): ExAC 0.00001; gnomAD 0.00001; TOPMed 0.00001.
gnomAD v4.1: 1 of 1,613,970 alleles (0.000062%); highest among the groups gnomAD compares: Non-Finnish European, 0.000085%; no homozygotes.

Submission:

Labcorp Genetics (formerly Invitae), Labcorp
Classification: Uncertain significance. Last evaluated: 2021-12-09. Review status: criteria provided, single submitter. Criteria: Invitae Variant Classification Sherloc (09022015). Collection method: clinical testing. Allele origin: germline.
Comment: This variant has not been reported in the literature in individuals affected with SBF1-related conditions. This sequence change replaces aspartic acid, which is acidic and polar, with valine, which is neutral and non-polar, at codon 816 of the SBF1 protein (p.Asp816Val). This variant is present in population databases (rs777953280, gnomAD 0.0009%). Algorithms developed to predict the effect of missense changes on protein structure and function are either unavailable or do not agree on the potential impact of this missense change (SIFT: "Deleterious"; PolyPhen-2: "Probably Damaging"; Align-GVGD: "Class C0"). In summary, the available evidence is currently insufficient to determine the role of this variant in disease. Therefore, it has been classified as a Variant of Uncertain Significance.

NM_002972.4(SBF1):c.2447A>T (p.Asp816Val)

Gene: SBF1 (SET binding factor 1; minus strand). Cytogenetic location: 22q13.33.
Variant type: single nucleotide variant.
Coding change: c.2447A>T on transcript NM_002972.4 (MANE Select); coding-DNA position 2447, A replaced by T.
Protein change: p.Asp816Val; replaces aspartic acid 816 with valine.
Molecular consequence: missense variant.
Genome position (GRCh38, 1-based): chr22:50,462,069, T>A on the plus strand (A>T on the coding strand, the complement: SBF1 is on the minus strand). VCF-style: chr22-50462069-T-A. GRCh37 (hg19) VCF-style: chr22-50900498-T-A.
Other names: c.2450A>T, p.Asp817Val (NM_001365819.1, NM_001410794.1); c.2447A>T, p.Asp816Val (NM_001410795.1, NM_197971.1); short protein forms D816V, D817V.
Identifiers: ClinVar variation 2039109 (VCV002039109.4), dbSNP rs777953280, ClinGen allele CA10317200.
Genomic context (GRCh38, chr22:50,462,069, plus strand): 5'-TTGTCCACAAAGCGGTTGATGAAGCGGACCACAGCCCCAGCTACGTCGCAGGTCTCTGCA[T>A]CCTCGAAGCCGCTCTCCGTGTCATAGCTCTCGGCCACACTGCCAGCCATGCTGGGCCAGA-3'
Protein context (NP_002963.2, residues 806-826): ESYDTESGFE[Asp816Val]AETCDVAGAV